The following is an entry in ClinVar:

NM_000426.4(LAMA2):c.3836G>C (p.Gly1279Ala)

Gene: LAMA2 (laminin subunit alpha 2; plus strand). Cytogenetic location: 6q22.33.
Variant type: single nucleotide variant.
Coding change: c.3836G>C on transcript NM_000426.4 (MANE Select); coding-DNA position 3836, G replaced by C.
Protein change: p.Gly1279Ala; replaces glycine 1279 with alanine.
Molecular consequence: missense variant.
Genome position (GRCh38, 1-based): chr6:129,315,862, G>C. VCF-style: chr6-129315862-G-C. GRCh37 (hg19) VCF-style: chr6-129637007-G-C.
Other names: c.3836G>C, p.Gly1279Ala (NM_001079823.2); short protein forms G1279A.
Identifiers: ClinVar variation 1051492 (VCV001051492.9), dbSNP rs1452463869, ClinGen allele CA365613381.

ClinVar aggregate classification (germline): Uncertain significance (1 of 4 stars; one submission).

Conditions:
LAMA2-related muscular dystrophy (LAMA2-RD). Also called: Laminin alpha 2-related dystrophy. Identifiers: MedGen C5679788, MONDO:0100228.

Submission:

Labcorp Genetics (formerly Invitae), Labcorp
Classification: Uncertain significance for LAMA2-related muscular dystrophy. Last evaluated: 2024-02-17. Review status: criteria provided, single submitter. Criteria: Invitae Variant Classification Sherloc (09022015). Collection method: clinical testing. Allele origin: germline.
Comment: This sequence change replaces glycine, which is neutral and non-polar, with alanine, which is neutral and non-polar, at codon 1279 of the LAMA2 protein (p.Gly1279Ala). This variant is not present in population databases (gnomAD no frequency). This variant has not been reported in the literature in individuals affected with LAMA2-related conditions. ClinVar contains an entry for this variant (Variation ID: 1051492). Advanced modeling of protein sequence and biophysical properties (such as structural, functional, and spatial information, amino acid conservation, physicochemical variation, residue mobility, and thermodynamic stability) performed at Invitae indicates that this missense variant is not expected to disrupt LAMA2 protein function with a negative predictive value of 95%. In summary, the available evidence is currently insufficient to determine the role of this variant in disease. Therefore, it has been classified as a Variant of Uncertain Significance.